The following is an entry in ClinVar:

NM_002609.4(PDGFRB):c.2794G>A (p.Glu932Lys)

Gene: PDGFRB (platelet derived growth factor receptor beta; minus strand). Cytogenetic location: 5q32.
Variant type: single nucleotide variant.
Coding change: c.2794G>A on transcript NM_002609.4 (MANE Select); coding-DNA position 2794, G replaced by A.
Protein change: p.Glu932Lys; replaces glutamic acid 932 with lysine.
Molecular consequence: missense variant.
Genome position (GRCh38, 1-based): chr5:150,119,471, C>T on the plus strand (G>A on the coding strand, the complement: PDGFRB is on the minus strand). VCF-style: chr5-150119471-C-T. GRCh37 (hg19) VCF-style: chr5-149499034-C-T.
Other names: c.2602G>A, p.Glu868Lys (NM_001355016.2); c.2311G>A, p.Glu771Lys (NM_001355017.2); short protein forms E771K, E932K, E868K.
Identifiers: ClinVar variation 4793678 (VCV004793678.1).

ClinVar aggregate classification (germline): Uncertain significance (1 of 4 stars; one submission).

Conditions:
Skeletal overgrowth-craniofacial dysmorphism-hyperelastic skin-white matter lesions syndrome. Also called: SKELETAL OVERGROWTH WITH FACIAL DYSMORPHISM, HYPERELASTIC SKIN, WHITE MATTER LESIONS, AND NEUROLOGIC DETERIORATION; Kosaki overgrowth syndrome. Identifiers: Orphanet 477831, MedGen C4225270, MONDO:0014704, OMIM 616592.
Acroosteolysis-keloid-like lesions-premature aging syndrome. Also called: Premature aging syndrome, Penttinen type; Prematurely aged appearance, delayed bone maturation, acro-osteolysis, and brachydactyly; Progeroid syndrome, Penttinen type. Identifiers: Orphanet 363665, MedGen C1866182, MONDO:0011150, OMIM 601812.
Infantile myofibromatosis (IMF). Also called: Congenital generalized fibromatosis. Identifiers: Orphanet 2591, MedGen C0432284, MONDO:0016824.
Basal ganglia calcification, idiopathic, 4 (PFBC4). Also called: Familial Idiopathic Basal Ganglia Calcification 4; PRIMARY FAMILIAL BRAIN CALCIFICATION 4, AUTOSOMAL DOMINANT. Identifiers: Orphanet 1980, MedGen C3554321, MONDO:0014004, OMIM 615007.

gnomAD v4.1: 39 of 1,571,116 alleles (0.0025%); highest among the groups gnomAD compares: Non-Finnish European, 0.0031%; no homozygotes.

Submission:

Labcorp Genetics (formerly Invitae), Labcorp
Classification: Uncertain significance for Basal ganglia calcification, idiopathic, 4; Skeletal overgrowth-craniofacial dysmorphism-hyperelastic skin-white matter lesions syndrome; Infantile myofibromatosis; Acroosteolysis-keloid-like lesions-premature aging syndrome. Last evaluated: 2025-09-09. Review status: criteria provided, single submitter. Criteria: Invitae Variant Classification Sherloc (09022015). Collection method: clinical testing. Allele origin: germline.
Comment: This sequence change replaces glutamic acid, which is acidic and polar, with lysine, which is basic and polar, at codon 932 of the PDGFRB protein (p.Glu932Lys). This variant is present in population databases (no rsID available, gnomAD 0.003%). This variant has not been reported in the literature in individuals affected with PDGFRB-related conditions. Invitae Evidence Modeling of protein sequence and biophysical properties (such as structural, functional, and spatial information, amino acid conservation, physicochemical variation, residue mobility, and thermodynamic stability) indicates that this missense variant is not expected to disrupt PDGFRB protein function with a negative predictive value of 80%. In summary, the available evidence is currently insufficient to determine the role of this variant in disease. Therefore, it has been classified as a Variant of Uncertain Significance.